The following is an entry in ClinVar:

ClinVar aggregate classification (germline): Uncertain significance (1 of 4 stars; one submission).

Conditions:
Cardiovascular phenotype. Identifiers: MedGen CN230736.

Submission:

Ambry Genetics
Classification: Uncertain significance for Cardiovascular phenotype. Last evaluated: 2026-03-23. Review status: criteria provided, single submitter. Criteria: Ambry Variant Classification Scheme 2023. Collection method: clinical testing. Allele origin: germline.
Comment: The p.G1823S variant (also known as c.5467G>A), located in coding exon 2 of the ZNF469 gene, results from a G to A substitution at nucleotide position 5467. The glycine at codon 1823 is replaced by serine, an amino acid with similar properties. This amino acid position is conserved. In addition, this alteration is predicted to be tolerated by in silico analysis. Based on the available evidence, the clinical significance of this variant remains unclear.

NM_001367624.2(ZNF469):c.5551G>A (p.Gly1851Ser)

Gene: ZNF469 (zinc finger protein 469; plus strand). Cytogenetic location: 16q24.2.
Variant type: single nucleotide variant.
Coding change: c.5551G>A on transcript NM_001367624.2 (MANE Select); coding-DNA position 5551, G replaced by A.
Protein change: p.Gly1851Ser; replaces glycine 1851 with serine.
Molecular consequence: missense variant.
Genome position (GRCh38, 1-based): chr16:88,433,021, G>A. VCF-style: chr16-88433021-G-A. GRCh37 (hg19) VCF-style: chr16-88499429-G-A.
Other names: NM_001127464.1:c.5467G>A; short protein forms G1851S.
Identifiers: ClinVar variation 4866970 (VCV004866970.1).